The following is an entry in ClinVar:

ClinVar aggregate classification (germline): Uncertain significance. Review status: criteria provided, multiple submitters, no conflicts (2 of 4 stars). 2 submissions from 2 submitters: Uncertain significance (2). Last evaluated 2024-10-03.

Conditions:
Intellectual developmental disorder, autosomal dominant 6, with or without seizures. Also called: GRIN2B-related developmental delay, intellectual disability and autism spectrum disorder; Intellectual disability, autosomal dominant 6. Identifiers: Orphanet 589547, MedGen C3151411, MONDO:0013509, OMIM 613970.
Developmental and epileptic encephalopathy, 27 (DEE27). Also called: Epileptic encephalopathy, early infantile, 27; GRIN2B-Related Neurodevelopmental Disorder. Identifiers: Orphanet 3451, MedGen C4015316, MONDO:0014505, OMIM 616139.
Inborn genetic diseases. Identifiers: MedGen C0950123, MeSH D030342.

Submissions (2):

Ambry Genetics
Classification: Uncertain significance for Inborn genetic diseases. Last evaluated: 2024-10-03. Review status: criteria provided, single submitter. Criteria: Ambry Variant Classification Scheme 2023. Collection method: clinical testing. Allele origin: germline.
Comment: The c.1646C>G (p.A549G) alteration is located in exon 7 (coding exon 6) of the GRIN2B gene. This alteration results from a C to G substitution at nucleotide position 1646, causing the alanine (A) at amino acid position 549 to be replaced by a glycine (G). This variant was not reported in population-based cohorts in the Genome Aggregation Database (gnomAD). This amino acid position is highly conserved in available vertebrate species. This missense alteration is located in a region that has a low rate of benign missense variation (Lek, 2016; Firth, 2009). This alteration is predicted to be deleterious by in silico analysis. Based on insufficient or conflicting evidence, the clinical significance of this alteration remains unclear.

Labcorp Genetics (formerly Invitae), Labcorp
Classification: Uncertain significance for Developmental and epileptic encephalopathy, 27; Intellectual developmental disorder, autosomal dominant 6, with or without seizures. Last evaluated: 2023-12-21. Review status: criteria provided, single submitter. Criteria: Invitae Variant Classification Sherloc (09022015). Collection method: clinical testing. Allele origin: germline.
Comment: This sequence change replaces alanine, which is neutral and non-polar, with glycine, which is neutral and non-polar, at codon 549 of the GRIN2B protein (p.Ala549Gly). This variant is not present in population databases (gnomAD no frequency). This variant has not been reported in the literature in individuals affected with GRIN2B-related conditions. Advanced modeling of protein sequence and biophysical properties (such as structural, functional, and spatial information, amino acid conservation, physicochemical variation, residue mobility, and thermodynamic stability) performed at Invitae indicates that this missense variant is expected to disrupt GRIN2B protein function with a positive predictive value of 95%. In summary, the available evidence is currently insufficient to determine the role of this variant in disease. Therefore, it has been classified as a Variant of Uncertain Significance.

NM_000834.5(GRIN2B):c.1646C>G (p.Ala549Gly)

Gene: GRIN2B (glutamate ionotropic receptor NMDA type subunit 2B; minus strand). Cytogenetic location: 12p13.1.
Variant type: single nucleotide variant.
Coding change: c.1646C>G on transcript NM_000834.5 (MANE Select); coding-DNA position 1646, C replaced by G.
Protein change: p.Ala549Gly; replaces alanine 549 with glycine.
Molecular consequence: missense variant.
Genome position (GRCh38, 1-based): chr12:13,615,122, G>C on the plus strand (C>G on the coding strand, the complement: GRIN2B is on the minus strand). VCF-style: chr12-13615122-G-C. GRCh37 (hg19) VCF-style: chr12-13768056-G-C.
Other names: c.1646C>G, p.Ala549Gly (NM_001413992.1); c.1646C>G (NM_000834.3); short protein forms A549G.
Identifiers: ClinVar variation 2921622 (VCV002921622.4), dbSNP rs2497597834, ClinGen allele CA384051685.